The following is an entry in ClinVar:

ClinVar aggregate classification (germline): Likely benign. Review status: criteria provided, multiple submitters, no conflicts (2 of 4 stars). 3 submissions from 3 submitters: Likely benign (3). Last evaluated 2025-10-13.

Conditions:
TBX3-related disorder. Also called: TBX3-related condition.
Ulnar-mammary syndrome (UMS). Also called: SCHINZEL SYNDROME; Ulnar-mammary syndrome of Pallister; PALLISTER ULNAR-MAMMARY SYNDROME. Identifiers: Orphanet 3138, MedGen C1866994, MONDO:0008411, OMIM 181450.

gnomAD v4.1: 6 of 1,516,044 alleles (0.0004%); highest among the groups gnomAD compares: Middle Eastern, 0.018%; no homozygotes.

Submissions (3):

Labcorp Genetics (formerly Invitae), Labcorp
Classification: Likely benign for Ulnar-mammary syndrome. Last evaluated: 2025-10-13. Review status: criteria provided, single submitter. Criteria: Invitae Variant Classification Sherloc (09022015). Collection method: clinical testing. Allele origin: germline.

PreventionGenetics, part of Exact Sciences
Classification: Likely benign for TBX3-related condition. Last evaluated: 2024-12-18. Review status: criteria provided, single submitter. Criteria: ACMG Guidelines, 2015. Collection method: clinical testing. Allele origin: germline.
Comment: This variant is classified as likely benign based on ACMG/AMP sequence variant interpretation guidelines (Richards et al. 2015 PMID: 25741868, with internal and published modifications).

Blueprint Genetics
Classification: Likely benign. Last evaluated: 2020-08-14. Review status: criteria provided, single submitter. Criteria: ACMG Guidelines, 2015. Collection method: clinical testing. Allele origin: germline.

NM_005996.4(TBX3):c.1353C>T (p.Arg451=)

Gene: TBX3 (T-box transcription factor 3; minus strand). Cytogenetic location: 12q24.21.
Variant type: single nucleotide variant.
Coding change: c.1353C>T on transcript NM_005996.4 (MANE Select); coding-DNA position 1353, C replaced by T.
Protein change: p.Arg451=; no amino-acid change (arginine 451 retained).
Molecular consequence: synonymous variant.
Genome position (GRCh38, 1-based): chr12:114,674,522, G>A on the plus strand (C>T on the coding strand, the complement: TBX3 is on the minus strand). VCF-style: chr12-114674522-G-A. GRCh37 (hg19) VCF-style: chr12-115112327-G-A.
Other names: c.1413C>T (NM_016569.3); c.1413C>T, p.Arg471= (NM_016569.4).
Identifiers: ClinVar variation 4743874 (VCV004743874.3).